The following is an entry in ClinVar:

ClinVar aggregate classification (germline): Benign (1 of 4 stars; one submission).

Allele frequency attached by ClinVar (database versions not stated): 1000 Genomes Project 0.02835; 1000 Genomes Project 30x 0.02951; gnomAD 0.05331 and 0.05505; TOPMed 0.05403; gnomAD exomes 0.07384.
gnomAD v4.1: 106,354 of 1,486,398 alleles (7.2%); highest among the groups gnomAD compares: Non-Finnish European, 8.7%; 4,461 homozygotes.

Submission:

GeneDx
Classification: Benign. Last evaluated: 2018-06-16. Review status: criteria provided, single submitter. Criteria: GeneDx Variant Classification (06012015). Collection method: clinical testing. Allele origin: germline. Affected: yes.
Comment: This variant is considered likely benign or benign based on one or more of the following criteria: it is a conservative change, it occurs at a poorly conserved position in the protein, it is predicted to be benign by multiple in silico algorithms, and/or has population frequency not consistent with disease.

NM_004100.5(EYA4):c.971-59G>A

Gene: EYA4 (EYA transcriptional coactivator and phosphatase 4; plus strand). Cytogenetic location: 6q23.2.
Variant type: single nucleotide variant.
Coding change: c.971-59G>A on transcript NM_004100.5 (MANE Select); 59 bases into the intron before coding-DNA position 971, G replaced by A.
Molecular consequence: intron variant.
Genome position (GRCh38, 1-based): chr6:133,481,404, G>A. VCF-style: chr6-133481404-G-A. GRCh37 (hg19) VCF-style: chr6-133802542-G-A.
Other names: c.989-59G>A (NM_001301013.2); c.971-59G>A (NM_172105.4); c.902-59G>A (NM_001370458.1, NM_172103.4); c.827-59G>A (NM_001370459.1); c.809-59G>A (NM_001301012.2).
Identifiers: ClinVar variation 676338 (VCV000676338.1), dbSNP rs41286202, ClinGen allele CA16280782.